The following is an entry in ClinVar:

NM_031439.4(SOX7):c.801C>A (p.Gly267=)

Gene: SOX7 (SRY-box transcription factor 7). Cytogenetic location: 8p23.1.
Variant type: single nucleotide variant.
Coding change: c.801C>A on transcript NM_031439.4 (MANE Select); coding-DNA position 801, C replaced by A.
Protein change: p.Gly267=; no amino-acid change (glycine 267 retained).
Molecular consequence: synonymous variant.
Genome position (GRCh38, 1-based): chr8:10,726,104, G>T on the plus strand (C>A on the coding strand, the complement: SOX7 is on the minus strand). VCF-style: chr8-10726104-G-T. GRCh37 (hg19) VCF-style: chr8-10583614-G-T.
Other names: c.801C>A (NM_031439.3).
Identifiers: ClinVar variation 2658400 (VCV002658400.25), dbSNP rs201998586, ClinGen allele CA4626471.

ClinVar aggregate classification (germline): Likely benign. Review status: criteria provided, single submitter (1 of 4 stars). 2 submissions from 2 submitters: Likely benign (1). 1 of the submissions does not count toward it. Last evaluated 2022-09-01.

Conditions:
SOX7-related disorder. Also called: SOX7-related condition.

Allele frequency attached by ClinVar (database versions not stated): ExAC 0.00026; ESP Exome Variant Server 0.00077; gnomAD 0.00095; 1000 Genomes Project 0.00140; 1000 Genomes Project 30x 0.00141.
gnomAD v4.1: 270 of 1,567,326 alleles (0.017%); highest among the groups gnomAD compares: African/African-American, 0.32%; 1 homozygote.

Submissions (2):

CeGaT Center for Human Genetics Tuebingen
Classification: Likely benign. Last evaluated: 2022-09-01. Review status: criteria provided, single submitter. Criteria: CeGaT Center For Human Genetics Tuebingen Variant Classification Criteria Version 2. Collection method: clinical testing. Allele origin: germline. Affected: yes. Observed: 1 variant allele.
Comment: SOX7: BP4, BP7

PreventionGenetics, part of Exact Sciences
Classification: Likely benign for SOX7-related condition. Last evaluated: 2023-02-01. Review status: no assertion criteria provided. Collection method: clinical testing. Allele origin: germline. Not counted in ClinVar's aggregate classification.
Comment: This variant is classified as likely benign based on ACMG/AMP sequence variant interpretation guidelines (Richards et al. 2015 PMID: 25741868, with internal and published modifications).